The following is an entry in ClinVar:

ClinVar aggregate classification (germline): Pathogenic (1 of 4 stars; one submission).

Submission:

Labcorp Genetics (formerly Invitae), Labcorp
Classification: Pathogenic. Last evaluated: 2025-05-08. Review status: criteria provided, single submitter. Criteria: Invitae Variant Classification Sherloc (09022015). Collection method: clinical testing. Allele origin: germline.
Comment: This sequence change creates a premature translational stop signal (p.Gly313Alafs*7) in the SLC4A1 gene. It is expected to result in an absent or disrupted protein product. Loss-of-function variants in SLC4A1 are known to be pathogenic (PMID: 8943874, 10926824, 23255290). This variant is not present in population databases (gnomAD no frequency). This variant has not been reported in the literature in individuals affected with SLC4A1-related conditions. For these reasons, this variant has been classified as Pathogenic.

Literature cited by the submitters: PubMed 8943874; PubMed 10926824; PubMed 23255290.

NM_000342.4(SLC4A1):c.938del (p.Gly313fs)

Gene: SLC4A1 (solute carrier family 4 member 1 (Diego blood group); minus strand). Cytogenetic location: 17q21.31.
Variant type: Deletion.
Coding change: c.938del on transcript NM_000342.4 (MANE Select); coding-DNA position 938, one base deleted (G; older notation c.938delG).
Protein change: p.Gly313fs; shifts the reading frame from glycine 313.
Molecular consequence: frameshift variant.
Genome position (GRCh38, 1-based): chr17:44,258,562, C deleted on the plus strand (G on the coding strand, the reverse complement: SLC4A1 is on the minus strand); the first of 3 consecutive C bases (chr17:44,258,562-44,258,564); deleting any one gives the same sequence. VCF-style (leftmost placement, unchanged base first): chr17-44258561-GC-G. GRCh37 (hg19) VCF-style: chr17-42335929-GC-G.
Other names: short protein forms G313fs.
Identifiers: ClinVar variation 4719260 (VCV004719260.1).
Genomic context (GRCh38, chr17:44,258,561, plus strand): 5'-GAGCAGTGCCTGCTCGGAGGGGGCATCGGTGGGAGGCAGCACTAGGCTGCAGTCCAGGAA[GC>G]CCTCTAGGGAGTGCAGCAGCTCCCCTCGGCTCTGAGCCATGTAGGCATCTATGCGGAACA-3'